The following is an entry in ClinVar:

NM_022725.4(FANCF):c.885T>G (p.Val295=)

Genes: FANCF (FA complementation group F; minus strand), LOC130005444 (ATAC-STARR-seq lymphoblastoid active region 4534; plus strand). Cytogenetic location: 11p14.3.
Variant type: single nucleotide variant.
Coding change: c.885T>G on transcript NM_022725.4 (MANE Select); coding-DNA position 885, T replaced by G.
Protein change: p.Val295=; no amino-acid change (valine 295 retained).
Molecular consequence: synonymous variant.
Genome position (GRCh38, 1-based): chr11:22,624,926, A>C on the plus strand (T>G on the coding strand, the complement: FANCF is on the minus strand). VCF-style: chr11-22624926-A-C. GRCh37 (hg19) VCF-style: chr11-22646472-A-C.
Identifiers: ClinVar variation 456287 (VCV000456287.12), dbSNP rs761238804, ClinGen allele CA5924238.

ClinVar aggregate classification (germline): Likely benign. Review status: criteria provided, multiple submitters, no conflicts (2 of 4 stars). 3 submissions from 3 submitters: Likely benign (2). 1 of the submissions does not count toward it. Last evaluated 2025-10-03.

Conditions:
FANCF-related disorder. Also called: FANCF-related condition.
Fanconi anemia (FA). Also called: Fanconi's anemia. Identifiers: Orphanet 84, MedGen C0015625, MeSH D005199, MONDO:0019391.

Allele frequency attached by ClinVar (database versions not stated): gnomAD exomes below 0.00001 and 0.00001; ExAC 0.00001.
gnomAD v4.1: 9 of 1,614,202 alleles (0.00056%); highest among the groups gnomAD compares: Non-Finnish European, 0.00076%; no homozygotes.

Submissions (3):

Labcorp Genetics (formerly Invitae), Labcorp
Classification: Likely benign for Fanconi anemia. Last evaluated: 2025-10-03. Review status: criteria provided, single submitter. Criteria: Invitae Variant Classification Sherloc (09022015). Collection method: clinical testing. Allele origin: germline.

Blueprint Genetics
Classification: Likely benign. Last evaluated: 2023-06-09. Review status: criteria provided, single submitter. Criteria: ACMG Guidelines, 2015. Collection method: clinical testing. Allele origin: germline.

PreventionGenetics, part of Exact Sciences
Classification: Likely benign for FANCF-related condition. Last evaluated: 2020-03-03. Review status: no assertion criteria provided. Collection method: clinical testing. Allele origin: germline. Not counted in ClinVar's aggregate classification.
Comment: This variant is classified as likely benign based on ACMG/AMP sequence variant interpretation guidelines (Richards et al. 2015 PMID: 25741868, with internal and published modifications).